The following is an entry in ClinVar:

ClinVar aggregate classification (germline): Conflicting classifications of pathogenicity. Review status: criteria provided, conflicting classifications (1 of 4 stars). 5 submissions from 5 submitters: Likely pathogenic (4); Uncertain significance (1). Last evaluated 2025-03-25.

Conditions:
von Willebrand disease type 3 (VWD3). Also called: Type 3 Von Willebrand's disease; Type 3 VWD; Von Willebrand disease, severe form; V WD3; VON WILLEBRAND DISEASE, TYPE III. Identifiers: Orphanet 166096, MedGen C1264041, MONDO:0010191, OMIM 277480.
von Willebrand disease type 2 (VWD2). Also called: VON WILLEBRAND DISEASE, TYPE 2A/IIE; VON WILLEBRAND DISEASE, TYPE 2CB; VON WILLEBRAND DISEASE, TYPE II; VWD, TYPE 2. Identifiers: Orphanet 166081, Orphanet 903, MedGen C1264040, MONDO:0013304, OMIM 613554.
VWF-related disorder. Also called: VWF-related condition; VWF-related disorders.
Hereditary von Willebrand disease. Identifiers: Orphanet 903, MedGen C5703318, MONDO:0019565. Inheritance: Autosomal recessive or Autosomal dominant.
von Willebrand disease type 1 (VWD1). Also called: VON WILLEBRAND DISEASE, TYPE I; VWD, TYPE 1. Identifiers: Orphanet 166078, Orphanet 903, MedGen C1264039, MONDO:0008668, OMIM 193400. Inheritance: autosomal recessive or autosomal dominant.

Allele frequency attached by ClinVar (database versions not stated): gnomAD exomes 0.00001 and 0.00007; gnomAD 0.00005 and 0.00006; TOPMed 0.00005; ESP Exome Variant Server 0.00008.
gnomAD v4.1: 101 of 1,613,356 alleles (0.0063%); highest among the groups gnomAD compares: Non-Finnish European, 0.0085%; no homozygotes.

Submissions (5):

First Genomix Gene Laboratory, Genetic Diagnostics Department
Classification: Likely pathogenic for von Willebrand disease type 3; von Willebrand disease type 2. Last evaluated: 2025-03-25. Review status: criteria provided, single submitter. Criteria: ACMG Guidelines, 2015. Collection method: clinical testing. Allele origin: germline. Inheritance: Autosomal recessive inheritance. Affected: no. Observed: 1 variant allele.

Centre of Medical Genetics, University Hospital Muenster
Classification: Uncertain significance. Last evaluated: 2021-12-05. Review status: criteria provided, single submitter. Criteria: ACMG Guidelines, 2015. Collection method: clinical testing. Allele origin: unknown. Affected: yes. Observed: 1 variant allele, 1 heterozygote.
Comment: ACMG categories: PM2,PP3,PP4,PP5

Blueprint Genetics
Classification: Likely pathogenic for VWF-related disorders. Last evaluated: 2021-08-04. Review status: criteria provided, single submitter. Criteria: ACMG Guidelines, 2015. Collection method: clinical testing. Allele origin: germline. Affected: yes. Observed: 2 variant alleles.

Laboratory of Hematology, Radboud University Medical Center
Classification: Likely pathogenic for von Willebrand disease type 1. Last evaluated: 2020-12-10. Review status: criteria provided, single submitter. Criteria: ACMG Guidelines, 2015. Collection method: research. Allele origin: germline. Affected: yes. Observed: 1 variant allele. Study: WIN study.

NIHR Bioresource Rare Diseases, University of Cambridge
Classification: Likely pathogenic for von Willebrand disorder. Last evaluated: 2019-02-01. Review status: criteria provided, single submitter. Criteria: ACMG Guidelines, 2015. Collection method: research. Allele origin: unknown. Affected: yes. Observed: 1 heterozygote. Study: ThromboGenomics.

Literature cited by the submitters: PubMed 31064749 (cited by NIHR Bioresource Rare Diseases, University of Cambridge).

NM_000552.5(VWF):c.5801T>G (p.Val1934Gly)

Gene: VWF (von Willebrand factor; minus strand). Cytogenetic location: 12p13.31.
Variant type: single nucleotide variant.
Coding change: c.5801T>G on transcript NM_000552.5 (MANE Select); coding-DNA position 5801, T replaced by G.
Protein change: p.Val1934Gly; replaces valine 1934 with glycine.
Molecular consequence: missense variant.
Genome position (GRCh38, 1-based): chr12:6,011,658, A>C on the plus strand (T>G on the coding strand, the complement: VWF is on the minus strand). VCF-style: chr12-6011658-A-C. GRCh37 (hg19) VCF-style: chr12-6120824-A-C.
Other names: p.V1934G; short protein forms V1934G.
Identifiers: ClinVar variation 627336 (VCV000627336.7), dbSNP rs139845585, ClinGen allele CA232292894.